The following is an entry in ClinVar:

NM_005548.3(KARS1):c.67C>T (p.Leu23=)

Gene: KARS1 (lysyl-tRNA synthetase 1; minus strand). Cytogenetic location: 16q23.1.
Variant type: single nucleotide variant.
Coding change: c.67C>T on transcript NM_005548.3 (MANE Select); coding-DNA position 67, C replaced by T.
Protein change: p.Leu23=; no amino-acid change (leucine 23 retained).
Molecular consequence: synonymous variant. On other transcripts: 5 prime UTR variant (1).
Genome position (GRCh38, 1-based): chr16:75,641,719, G>A on the plus strand (C>T on the coding strand, the complement: KARS1 is on the minus strand). VCF-style: chr16-75641719-G-A. GRCh37 (hg19) VCF-style: chr16-75675617-G-A.
Other names: c.151C>T, p.Leu51= (NM_001130089.2); c.-402C>T (NM_001378148.1).
Identifiers: ClinVar variation 2989902 (VCV002989902.4), dbSNP rs778923979, ClinGen allele CA8177752.

ClinVar aggregate classification (germline): Likely benign. Review status: criteria provided, multiple submitters, no conflicts (2 of 4 stars). 2 submissions from 2 submitters: Likely benign (2). Last evaluated 2024-12-27.

Conditions:
KARS1-related disorder. Also called: KARS1-related disorders.

Allele frequency attached by ClinVar (database versions not stated): gnomAD 0.00001; ExAC 0.00002; TOPMed 0.00002; gnomAD exomes 0.00004.
gnomAD v4.1: 58 of 1,613,550 alleles (0.0036%); highest among the groups gnomAD compares: Non-Finnish European, 0.0048%; no homozygotes.

Submissions (2):

PreventionGenetics, part of Exact Sciences
Classification: Likely benign for KARS1-related condition. Last evaluated: 2024-12-27. Review status: criteria provided, single submitter. Criteria: ACMG Guidelines, 2015. Collection method: clinical testing. Allele origin: germline.
Comment: This variant is classified as likely benign based on ACMG/AMP sequence variant interpretation guidelines (Richards et al. 2015 PMID: 25741868, with internal and published modifications).

Labcorp Genetics (formerly Invitae), Labcorp
Classification: Likely benign. Last evaluated: 2023-10-06. Review status: criteria provided, single submitter. Criteria: Invitae Variant Classification Sherloc (09022015). Collection method: clinical testing. Allele origin: germline.